The following is an entry in ClinVar:

ClinVar aggregate classification (germline): Conflicting classifications of pathogenicity. Review status: criteria provided, conflicting classifications (1 of 4 stars). 2 submissions from 2 submitters: Uncertain significance (1); Likely benign (1). Last evaluated 2026-04-21.

Conditions:
Hereditary cancer-predisposing syndrome. Also called: Hereditary Cancer Syndrome; Neoplastic Syndromes, Hereditary; Tumor predisposition; Hereditary neoplastic syndrome. Identifiers: Orphanet 140162, MedGen C0027672, MeSH D009386, MONDO:0015356.

Submissions (2):

Ambry Genetics
Classification: Likely benign for Hereditary cancer-predisposing syndrome. Last evaluated: 2026-04-21. Review status: criteria provided, single submitter. Criteria: Ambry Variant Classification Scheme 2023. Collection method: clinical testing. Allele origin: germline.

Labcorp Genetics (formerly Invitae), Labcorp
Classification: Uncertain significance. Last evaluated: 2023-01-08. Review status: criteria provided, single submitter. Criteria: Invitae Variant Classification Sherloc (09022015). Collection method: clinical testing. Allele origin: germline.
Comment: In summary, the available evidence is currently insufficient to determine the role of this variant in disease. Therefore, it has been classified as a Variant of Uncertain Significance. Algorithms developed to predict the effect of missense changes on protein structure and function output the following: SIFT: "Tolerated"; PolyPhen-2: "Benign"; Align-GVGD: "Class C0". The threonine amino acid residue is found in multiple mammalian species, which suggests that this missense change does not adversely affect protein function. ClinVar contains an entry for this variant (Variation ID: 955873). This variant has not been reported in the literature in individuals affected with HOXB13-related conditions. This variant is not present in population databases (gnomAD no frequency). This sequence change replaces alanine, which is neutral and non-polar, with threonine, which is neutral and polar, at codon 29 of the HOXB13 protein (p.Ala29Thr).

NM_006361.6(HOXB13):c.85G>A (p.Ala29Thr)

Gene: HOXB13 (homeobox B13; minus strand). Cytogenetic location: 17q21.32.
Variant type: single nucleotide variant.
Coding change: c.85G>A on transcript NM_006361.6 (MANE Select); coding-DNA position 85, G replaced by A.
Protein change: p.Ala29Thr; replaces alanine 29 with threonine.
Molecular consequence: missense variant.
Genome position (GRCh38, 1-based): chr17:48,728,509, C>T on the plus strand (G>A on the coding strand, the complement: HOXB13 is on the minus strand). VCF-style: chr17-48728509-C-T. GRCh37 (hg19) VCF-style: chr17-46805871-C-T.
Other names: short protein forms A29T.
Identifiers: ClinVar variation 955873 (VCV000955873.8), dbSNP rs756970136, ClinGen allele CA400109497.